The following is an entry in ClinVar:

ClinVar aggregate classification (germline): Pathogenic (3 of 4 stars; one submission).

Conditions:
Breast-ovarian cancer, familial, susceptibility to, 2 (BROVCA2). Also called: BRCA2 Hereditary Breast and Ovarian Cancer. Identifiers: Orphanet 145, MedGen C2675520, MONDO:0012933, OMIM 612555. Disease mechanism: loss of function.

Submission:

Evidence-based Network for the Interpretation of Germline Mutant Alleles (ENIGMA)
Classification: Pathogenic for Breast-ovarian cancer, familial, susceptibility to, 2. Last evaluated: 2017-12-15. Review status: reviewed by expert panel. Criteria: ENIGMA BRCA1/2 Classification Criteria (2017-06-29). Collection method: curation. Allele origin: germline. Study: ENIGMA.
Comment: Variant allele predicted to encode a truncated non-functional protein.

NM_000059.4(BRCA2):c.3205_3206insAATTGCAGTCAATTAATAT (p.Ser1069Ter)

Gene: BRCA2 (BRCA2 DNA repair associated; plus strand). Cytogenetic location: 13q13.1.
Variant type: Microsatellite.
Coding change: c.3205_3206insAATTGCAGTCAATTAATAT on transcript NM_000059.4 (MANE Select); coding-DNA positions 3205 to 3206, AATTGCAGTCAATTAATAT inserted.
Protein change: p.Ser1069Ter; replaces serine 1069 with a stop codon.
Molecular consequence: nonsense.
Genome position: GRCh38 VCF-style: chr13-32337557-G-GTATAATTGCAGTCAATTAA. GRCh37 (hg19) VCF-style: chr13-32911694-G-GTATAATTGCAGTCAATTAA.
Other names: short protein forms S1069*.
Identifiers: ClinVar variation 548395 (VCV000548395.1), dbSNP rs1555283098.